The following is an entry in ClinVar:

ClinVar aggregate classification (germline): Likely benign (1 of 4 stars; one submission).

Allele frequency attached by ClinVar (database versions not stated): gnomAD exomes below 0.00001.
gnomAD v4.1: 1 of 1,550,596 alleles (0.000064%); highest among the groups gnomAD compares: South Asian, 0.0012%; no homozygotes.

Submission:

CeGaT Center for Human Genetics Tuebingen
Classification: Likely benign. Last evaluated: 2022-06-01. Review status: criteria provided, single submitter. Criteria: CeGaT Center For Human Genetics Tuebingen Variant Classification Criteria Version 2. Collection method: clinical testing. Allele origin: germline. Affected: yes. Observed: 1 variant allele.
Comment: MZT2B: BP4, BP7

NM_025029.5(MZT2B):c.319+1145C>G

Gene: MZT2B (mitotic spindle organizing protein 2B; plus strand). Cytogenetic location: 2q21.1.
Variant type: single nucleotide variant.
Coding change: c.319+1145C>G on transcript NM_025029.5 (MANE Select); 1145 bases into the intron after coding-DNA position 319, C replaced by G.
Molecular consequence: intron variant. On other transcripts: synonymous variant (1).
Genome position (GRCh38, 1-based): chr2:130,183,920, C>G. VCF-style: chr2-130183920-C-G. GRCh37 (hg19) VCF-style: chr2-130941493-C-G.
Other names: c.453C>G, p.Pro151= (NM_001330282.2); c.170+1468C>G (NM_001330284.2).
Identifiers: ClinVar variation 2651364 (VCV002651364.24), dbSNP rs1558776647, ClinGen allele CA535683916.